The following is an entry in ClinVar:

ClinVar aggregate classification (germline): Likely benign (0 of 4 stars; one submission).

Conditions:
PLXNB1-related disorder. Also called: PLXNB1-related condition.

Submission:

PreventionGenetics, part of Exact Sciences
Classification: Likely benign for PLXNB1-related condition. Last evaluated: 2019-03-29. Review status: no assertion criteria provided. Collection method: clinical testing. Allele origin: germline.
Comment: This variant is classified as likely benign based on ACMG/AMP sequence variant interpretation guidelines (Richards et al. 2015 PMID: 25741868, with internal and published modifications).

NM_001130082.3(PLXNB1):c.2583C>T (p.Pro861=)

Gene: PLXNB1 (plexin B1; minus strand). Cytogenetic location: 3p21.31.
Variant type: single nucleotide variant.
Coding change: c.2583C>T on transcript NM_001130082.3 (MANE Select); coding-DNA position 2583, C replaced by T.
Protein change: p.Pro861=; no amino-acid change (proline 861 retained).
Molecular consequence: synonymous variant.
Genome position (GRCh38, 1-based): chr3:48,419,703, G>A on the plus strand (C>T on the coding strand, the complement: PLXNB1 is on the minus strand). VCF-style: chr3-48419703-G-A. GRCh37 (hg19) VCF-style: chr3-48461112-G-A.
Other names: c.2583C>T, p.Pro861= (NM_002673.6).
Identifiers: ClinVar variation 3057377 (VCV003057377.2), dbSNP rs142446170, ClinGen allele CA2374782.